The following is an entry in ClinVar:

NM_004211.5(SLC6A5):c.812G>T (p.Gly271Val)

Gene: SLC6A5 (solute carrier family 6 member 5; plus strand). Cytogenetic location: 11p15.1.
Variant type: single nucleotide variant.
Coding change: c.812G>T on transcript NM_004211.5 (MANE Select); coding-DNA position 812, G replaced by T.
Protein change: p.Gly271Val; replaces glycine 271 with valine.
Molecular consequence: missense variant.
Genome position (GRCh38, 1-based): chr11:20,607,479, G>T. VCF-style: chr11-20607479-G-T. GRCh37 (hg19) VCF-style: chr11-20629025-G-T.
Other names: c.110G>T, p.Gly37Val (NM_001318369.2); short protein forms G271V, G37V.
Identifiers: ClinVar variation 1468729 (VCV001468729.3), dbSNP rs779904394, ClinGen allele CA5921227.
Genomic context (GRCh38, chr11:20,607,479, plus strand): 5'-ACTCTAAGAATTCCATAGCATTTAAGATGGAATGAACCCCTGGAATTTTTGCTTCTGCAG[G>T]CTGTGGCATCGCGATGCTGATCATCTCTGTCCTAATAGCCATATACTACAATGTGATTAT-3'
Protein context (NP_004202.4, residues 261-281): SVWKAIPALQ[Gly271Val]CGIAMLIISV

ClinVar aggregate classification (germline): Uncertain significance (1 of 4 stars; one submission).

Conditions:
Hyperekplexia 3 (HKPX3). Also called: HYPEREKPLEXIA 3, AUTOSOMAL RECESSIVE; HYPEREKPLEXIA 3, AUTOSOMAL DOMINANT. Identifiers: Orphanet 3197, MedGen C3553288, MONDO:0013827, OMIM 614618.

Allele frequency attached by ClinVar (database versions not stated): gnomAD 0.00001; gnomAD exomes 0.00001 and 0.00002; TOPMed 0.00001; ExAC 0.00002.
gnomAD v4.1: 4 of 1,613,998 alleles (0.00025%); highest among the groups gnomAD compares: Admixed American, 0.005%; no homozygotes.

Submission:

Labcorp Genetics (formerly Invitae), Labcorp
Classification: Uncertain significance for Hyperekplexia 3. Last evaluated: 2021-07-31. Review status: criteria provided, single submitter. Criteria: Invitae Variant Classification Sherloc (09022015). Collection method: clinical testing. Allele origin: germline.
Comment: This sequence change replaces glycine with valine at codon 271 of the SLC6A5 protein (p.Gly271Val). The glycine residue is highly conserved and there is a moderate physicochemical difference between glycine and valine. This variant is present in population databases (rs779904394, ExAC 0.009%). This variant has not been reported in the literature in individuals affected with SLC6A5-related conditions. Algorithms developed to predict the effect of missense changes on protein structure and function (SIFT, PolyPhen-2, Align-GVGD) all suggest that this variant is likely to be disruptive. Algorithms developed to predict the effect of sequence changes on RNA splicing suggest that this variant may disrupt the consensus splice site. In summary, the available evidence is currently insufficient to determine the role of this variant in disease. Therefore, it has been classified as a Variant of Uncertain Significance.